The following is an entry in ClinVar:

NM_001029883.3(PCARE):c.1882G>A (p.Ala628Thr)

Gene: PCARE (photoreceptor cilium actin regulator; minus strand). Cytogenetic location: 2p23.2.
Variant type: single nucleotide variant.
Coding change: c.1882G>A on transcript NM_001029883.3 (MANE Select); coding-DNA position 1882, G replaced by A.
Protein change: p.Ala628Thr; replaces alanine 628 with threonine.
Molecular consequence: missense variant.
Genome position (GRCh38, 1-based): chr2:29,072,380, C>T on the plus strand (G>A on the coding strand, the complement: PCARE is on the minus strand). VCF-style: chr2-29072380-C-T. GRCh37 (hg19) VCF-style: chr2-29295246-C-T.
Other names: short protein forms A628T.
Identifiers: ClinVar variation 193147 (VCV000193147.18), dbSNP rs571059484, ClinGen allele CA200361.

ClinVar aggregate classification (germline): Benign/Likely benign. Review status: criteria provided, multiple submitters, no conflicts (2 of 4 stars). 4 submissions from 4 submitters: Benign (3); Likely benign (1). Last evaluated 2025-11-25.

Conditions:
Retinitis pigmentosa (RP). Identifiers: Orphanet 791, MedGen C0035334, MeSH D012174, MONDO:0019200, OMIM 268000. Inheritance: Autosomal dominant, autosomal recessive and X linked inheritance.

Allele frequency attached by ClinVar (database versions not stated): gnomAD 0.00001 and 0.00035; TOPMed 0.00008; gnomAD exomes 0.00144; ExAC 0.00166; 1000 Genomes Project 30x 0.00234; 1000 Genomes Project 0.00280.
gnomAD v4.1: 1,006 of 1,614,154 alleles (0.062%); highest among the groups gnomAD compares: South Asian, 1%; 4 homozygotes.

Submissions (4):

Labcorp Genetics (formerly Invitae), Labcorp
Classification: Benign. Last evaluated: 2025-11-25. Review status: criteria provided, single submitter. Criteria: Invitae Variant Classification Sherloc (09022015). Collection method: clinical testing. Allele origin: germline.

Blueprint Genetics
Classification: Likely benign. Last evaluated: 2024-11-26. Review status: criteria provided, single submitter. Criteria: ACMG Guidelines, 2015. Collection method: clinical testing. Allele origin: germline.

Illumina Laboratory Services, Illumina
Classification: Benign for Retinitis pigmentosa. Last evaluated: 2017-05-16. Review status: criteria provided, single submitter. Criteria: ICSL Variant Classification Criteria 13 December 2019. Collection method: clinical testing. Allele origin: germline.
Comment: This variant was observed as part of a predisposition screen in an ostensibly healthy population. A literature search was performed for the gene, cDNA change, and amino acid change (where applicable). Publications were found based on this search. The evidence from the literature, in combination with allele frequency data from public databases where available, was sufficient to rule this variant out of causing disease. Therefore, this variant is classified as benign.

Eurofins Ntd Llc (ga)
Classification: Benign. Last evaluated: 2015-03-30. Review status: criteria provided, single submitter. Criteria: EGL Classification Definitions 2015. Collection method: clinical testing. Allele origin: germline. Observed: 1 variant allele, 1 heterozygote.

Literature cited by the submitters: PubMed 21412943 (cited by Illumina Laboratory Services, Illumina).